The following is an entry in ClinVar:

NM_032806.6(POMGNT2):c.1234G>T (p.Gly412Trp)

Gene: POMGNT2 (protein O-linked mannose N-acetylglucosaminyltransferase 2 (beta 1,4-); minus strand). Cytogenetic location: 3p22.1.
Variant type: single nucleotide variant.
Coding change: c.1234G>T on transcript NM_032806.6 (MANE Select); coding-DNA position 1234, G replaced by T.
Protein change: p.Gly412Trp; replaces glycine 412 with tryptophan.
Molecular consequence: missense variant.
Genome position (GRCh38, 1-based): chr3:43,080,198, C>A on the plus strand (G>T on the coding strand, the complement: POMGNT2 is on the minus strand). VCF-style: chr3-43080198-C-A. GRCh37 (hg19) VCF-style: chr3-43121690-C-A.
Other names: short protein forms G412W.
Identifiers: ClinVar variation 864439 (VCV000864439.4), dbSNP rs879819421, ClinGen allele CA2339897.

ClinVar aggregate classification (germline): Uncertain significance (1 of 4 stars; one submission).

Conditions:
Muscular dystrophy-dystroglycanopathy (congenital with brain and eye anomalies), type a, 8 (MDDGA8). Also called: WALKER-WARBURG SYNDROME OR MUSCLE-EYE-BRAIN DISEASE, GTDC2-RELATED. Identifiers: Orphanet 899, MedGen C3553813, MONDO:0013904, OMIM 614830.

Allele frequency attached by ClinVar (database versions not stated): TOPMed below 0.00001; ExAC 0.00001; gnomAD 0.00001; gnomAD exomes 0.00001.

Submission:

Labcorp Genetics (formerly Invitae), Labcorp
Classification: Uncertain significance for Muscular dystrophy-dystroglycanopathy (congenital with brain and eye anomalies), type a, 8. Last evaluated: 2021-08-26. Review status: criteria provided, single submitter. Criteria: Invitae Variant Classification Sherloc (09022015). Collection method: clinical testing. Allele origin: germline.
Comment: This sequence change replaces glycine with tryptophan at codon 412 of the POMGNT2 protein (p.Gly412Trp). The glycine residue is highly conserved and there is a large physicochemical difference between glycine and tryptophan. This variant is present in population databases (no rsID available, ExAC 0.006%). This variant has not been reported in the literature in individuals affected with POMGNT2-related conditions. Algorithms developed to predict the effect of missense changes on protein structure and function are either unavailable or do not agree on the potential impact of this missense change (SIFT: "Deleterious"; PolyPhen-2: "Probably Damaging"; Align-GVGD: "Class C15"). In summary, the available evidence is currently insufficient to determine the role of this variant in disease. Therefore, it has been classified as a Variant of Uncertain Significance.